The following is an entry in ClinVar:

NM_004006.3(DMD):c.7700A>G (p.His2567Arg)

Gene: DMD (dystrophin; minus strand). Cytogenetic location: Xp21.1.
Variant type: single nucleotide variant.
Coding change: c.7700A>G on transcript NM_004006.3 (MANE Select); coding-DNA position 7700, A replaced by G.
Protein change: p.His2567Arg; replaces histidine 2567 with arginine.
Molecular consequence: missense variant.
Genome position (GRCh38, 1-based): chrX:31,679,547, T>C on the plus strand (A>G on the coding strand, the complement: DMD is on the minus strand). VCF-style: chrX-31679547-T-C. GRCh37 (hg19) VCF-style: chrX-31697664-T-C.
Other names: c.7676A>G, p.His2559Arg (NM_000109.4); c.7688A>G, p.His2563Arg (NM_004009.3); c.7331A>G, p.His2444Arg (NM_004010.3); c.3677A>G, p.His1226Arg (NM_004011.4); c.3668A>G, p.His1223Arg (NM_004012.4); c.320A>G, p.His107Arg (NM_004013.3, NM_004020.4, NM_004021.3 and 2 more transcripts); short protein forms H1226R, H2567R, H107R, H1223R, H2444R, H2559R, H2563R.
Identifiers: ClinVar variation 4702566 (VCV004702566.1).

ClinVar aggregate classification (germline): Uncertain significance (1 of 4 stars; one submission).

Conditions:
Duchenne muscular dystrophy (DMD). Also called: MUSCULAR DYSTROPHY, PSEUDOHYPERTROPHIC PROGRESSIVE, DUCHENNE TYPE; Duchenne Muscular Dystrophy (DMD). Identifiers: Orphanet 98896, MedGen C0013264, MONDO:0010679, OMIM 310200.

Submission:

Labcorp Genetics (formerly Invitae), Labcorp
Classification: Uncertain significance for Duchenne muscular dystrophy. Last evaluated: 2025-08-13. Review status: criteria provided, single submitter. Criteria: Invitae Variant Classification Sherloc (09022015). Collection method: clinical testing. Allele origin: germline.
Comment: This sequence change replaces histidine, which is basic and polar, with arginine, which is basic and polar, at codon 2567 of the DMD protein (p.His2567Arg). This variant is not present in population databases (gnomAD no frequency). This variant has not been reported in the literature in individuals affected with DMD-related conditions. Invitae Evidence Modeling of protein sequence and biophysical properties (such as structural, functional, and spatial information, amino acid conservation, physicochemical variation, residue mobility, and thermodynamic stability) indicates that this missense variant is not expected to disrupt DMD protein function with a negative predictive value of 95%. In summary, the available evidence is currently insufficient to determine the role of this variant in disease. Therefore, it has been classified as a Variant of Uncertain Significance.